The following is an entry in ClinVar:

ClinVar aggregate classification (germline): Uncertain significance. Review status: criteria provided, multiple submitters, no conflicts (2 of 4 stars). 3 submissions from 3 submitters: Uncertain significance (3). Last evaluated 2025-12-03.

Conditions:
Familial adenomatous polyposis 1 (FAP1). Also called: FAMILIAL ADENOMATOUS POLYPOSIS 1, ATTENUATED; POLYPOSIS, ADENOMATOUS INTESTINAL. Identifiers: MedGen C2713442, MONDO:0021056, OMIM 175100. Disease mechanism: loss of function.

Allele frequency attached by ClinVar (database versions not stated): gnomAD exomes below 0.00001; TOPMed below 0.00001; gnomAD 0.00001.
gnomAD v4.1: 3 of 1,614,006 alleles (0.00019%); highest among the groups gnomAD compares: Non-Finnish European, 0.00025%; no homozygotes.

Submissions (3):

Labcorp Genetics (formerly Invitae), Labcorp
Classification: Uncertain significance for Familial adenomatous polyposis 1. Last evaluated: 2025-12-03. Review status: criteria provided, single submitter. Criteria: Invitae Variant Classification Sherloc (09022015). Collection method: clinical testing. Allele origin: germline.
Comment: This sequence change replaces serine, which is neutral and polar, with arginine, which is basic and polar, at codon 624 of the APC protein (p.Ser624Arg). This variant is present in population databases (no rsID available, gnomAD 0.0009%). This variant has not been reported in the literature in individuals affected with APC-related conditions. ClinVar contains an entry for this variant (Variation ID: 582752). Invitae Evidence Modeling of protein sequence and biophysical properties (such as structural, functional, and spatial information, amino acid conservation, physicochemical variation, residue mobility, and thermodynamic stability) indicates that this missense variant is not expected to disrupt APC protein function with a negative predictive value of 95%. In summary, the available evidence is currently insufficient to determine the role of this variant in disease. Therefore, it has been classified as a Variant of Uncertain Significance.

GeneDx
Classification: Uncertain significance. Last evaluated: 2025-04-01. Review status: criteria provided, single submitter. Criteria: GeneDx Variant Classification Process June 2021. Collection method: clinical testing. Allele origin: germline. Affected: yes.
Comment: Not observed at significant frequency in large population cohorts (gnomAD); In silico analysis supports that this missense variant has a deleterious effect on protein structure/function; Has not been previously published as pathogenic or benign to our knowledge; This variant is associated with the following publications: (PMID: 18199528)

Baylor Genetics
Classification: Uncertain significance for Familial adenomatous polyposis 1. Last evaluated: 2023-09-06. Review status: criteria provided, single submitter. Criteria: ACMG Guidelines, 2015. Collection method: clinical testing. Allele origin: unknown.

NM_000038.6(APC):c.1870A>C (p.Ser624Arg)

Gene: APC (APC regulator of Wnt signaling pathway; plus strand). Cytogenetic location: 5q22.2.
Variant type: single nucleotide variant.
Coding change: c.1870A>C on transcript NM_000038.6 (MANE Select); coding-DNA position 1870, A replaced by C.
Protein change: p.Ser624Arg; replaces serine 624 with arginine.
Molecular consequence: missense variant.
Genome position (GRCh38, 1-based): chr5:112,835,077, A>C. VCF-style: chr5-112835077-A-C. GRCh37 (hg19) VCF-style: chr5-112170774-A-C.
Other names: c.1870A>C, p.Ser624Arg (NM_001127510.3, NM_001354895.2); c.1816A>C, p.Ser606Arg (NM_001127511.3); c.1924A>C, p.Ser642Arg (NM_001354896.2); c.1900A>C, p.Ser634Arg (NM_001354897.2); c.1795A>C, p.Ser599Arg (NM_001354898.2); c.1786A>C, p.Ser596Arg (NM_001354899.2); c.1747A>C, p.Ser583Arg (NM_001354900.2); c.1693A>C, p.Ser565Arg (NM_001354901.2); and 5 more; short protein forms S624R, S606R, S341R, S464R, S533R, S599R, S634R, S642R.
Identifiers: ClinVar variation 582752 (VCV000582752.13), dbSNP rs1437351234, ClinGen allele CA16025407.
Genomic context (GRCh38, chr5:112,835,077, plus strand): 5'-GCTGATATATGTGCTGTAGATGGTGCACTTGCATTTTTGGTTGGCACTCTTACTTACCGG[A>C]GCCAGACAAACACTTTAGCCATTATTGAAAGTGGAGGTGGGATATTACGGAATGTGTCCA-3'
Protein context (NP_000029.2, residues 614-634): AFLVGTLTYR[Ser624Arg]QTNTLAIIES